The following is an entry in ClinVar:

ClinVar aggregate classification (germline): Pathogenic (1 of 4 stars; one submission).

Conditions:
Lynch syndrome 5 (LYNCH5). Also called: Colorectal cancer, hereditary nonpolyposis, type 5; Hereditary non-polyposis colorectal cancer, type 5. Identifiers: Orphanet 144, MedGen C1833477, MONDO:0013710, OMIM 614350. Disease mechanism: loss of function.

Submission:

Myriad Genetics, Inc.
Classification: Pathogenic for Lynch syndrome 5. Last evaluated: 2023-08-16. Review status: criteria provided, single submitter. Criteria: Myriad Autosomal Dominant, Autosomal Recessive and X-Linked Classification Criteria (2023). Collection method: clinical testing. Allele origin: unknown.
Comment: This variant is considered pathogenic. This variant creates a frameshift predicted to result in premature protein truncation.

NM_000179.3(MSH6):c.2263_2273del (p.Glu755fs)

Gene: MSH6 (mutS homolog 6; plus strand). Cytogenetic location: 2p16.3.
Variant type: Deletion.
Coding change: c.2263_2273del on transcript NM_000179.3 (MANE Select); coding-DNA positions 2263 to 2273, 11 bases deleted (GAAGGAACCCT).
Protein change: p.Glu755fs; shifts the reading frame from glutamic acid 755.
Molecular consequence: frameshift variant. On other transcripts: non-coding transcript variant (5), intron variant (2).
Genome position (GRCh38, 1-based): chr2:47,800,246-47,800,256, GAAGGAACCCT deleted; deleting any 11 consecutive bases within chr2:47,800,244-47,800,256 gives the same sequence; the c. name uses the placement nearest the transcript's 3' end. VCF-style (leftmost placement, unchanged base first): chr2-47800243-ACTGAAGGAACC-A. GRCh37 (hg19) VCF-style: chr2-48027382-ACTGAAGGAACC-A.
Other names: c.1966_1976del, p.Glu656fs (NM_001406830.1, NM_001406797.1, NM_001406801.1 and 10 more transcripts); c.1606+657_1606+667del (NM_001406817.1); c.628-420_628-410del (NM_001407362.1); c.1873_1883del, p.Glu625fs (NM_001281492.2); c.1357_1367del, p.Glu453fs (NM_001281493.2, NM_001281494.2, NM_001406811.1 and 6 more transcripts); c.2359_2369del, p.Glu787fs (NM_001406795.1, NM_001406802.1); c.2263_2273del, p.Glu755fs (NM_001406796.1, NM_001406798.1, NM_001406800.1 and 3 more transcripts); c.1738_1748del, p.Glu580fs (NM_001406799.1, NM_001406806.1, NM_001406807.1); and 3 more; short protein forms E453fs, E580fs, E625fs, E656fs, E699fs, E729fs, E755fs, E757fs.
Identifiers: ClinVar variation 2673609 (VCV002673609.1), dbSNP rs2530661187, ClinGen allele CA2695200506.
Genomic context (GRCh38, chr2:47,800,243, plus strand): 5'-GTGCTAGATGCAGTGACATTAAACAACTTGGAGATTTTTCTGAATGGAACAAATGGTTCT[ACTGAAGGAACC>A]CTACTAGAGAGGGTTGATACTTGCCATACTCCTTTTGGTAAGCGGCTCCTAAAGCAATGG-3'